The following is an entry in ClinVar:

ClinVar aggregate classification (germline): Pathogenic (1 of 4 stars; one submission).

Conditions:
RASopathy. Also called: rasopathies; Noonan spectrum disorder. Identifiers: Orphanet 536391, MedGen C5555857, MONDO:0021060.

Submission:

Labcorp Genetics (formerly Invitae), Labcorp
Classification: Pathogenic for RASopathy. Last evaluated: 2018-12-06. Review status: criteria provided, single submitter. Criteria: Invitae Variant Classification Sherloc (09022015). Collection method: clinical testing. Allele origin: germline.
Comment: For these reasons, this variant has been classified as Pathogenic. This variant disrupts the p.Phe57 amino acid residue in MAP2K2. Other variant(s) that disrupt this residue have been observed in individuals with MAP2K2-related conditions (PMID: 18042262, 19156172, 16439621), suggesting that it is a clinically significant residue. As a result, variants that disrupt this residue are likely to be causative of disease. Algorithms developed to predict the effect of missense changes on protein structure and function are either unavailable or do not agree on the potential impact of this missense change (SIFT: "Tolerated"; PolyPhen-2: "Probably Damaging"; Align-GVGD: "Class C0"). This variant is not present in population databases (ExAC no frequency). This sequence change replaces phenylalanine with leucine at codon 57 of the MAP2K2 protein (p.Phe57Leu). The phenylalanine residue is highly conserved and there is a small physicochemical difference between phenylalanine and leucine.

Literature cited by the submitters: PubMed 18042262; PubMed 19156172; PubMed 16439621; PubMed 18456719.

NM_030662.4(MAP2K2):c.171T>A (p.Phe57Leu)

Gene: MAP2K2 (mitogen-activated protein kinase kinase 2; minus strand). Cytogenetic location: 19p13.3.
Variant type: single nucleotide variant.
Coding change: c.171T>A on transcript NM_030662.4 (MANE Select); coding-DNA position 171, T replaced by A.
Protein change: p.Phe57Leu; replaces phenylalanine 57 with leucine.
Molecular consequence: missense variant.
Genome position (GRCh38, 1-based): chr19:4,117,551, A>T on the plus strand (T>A on the coding strand, the complement: MAP2K2 is on the minus strand). VCF-style: chr19-4117551-A-T. GRCh37 (hg19) VCF-style: chr19-4117549-A-T.
Other names: short protein forms F57L.
Identifiers: ClinVar variation 578970 (VCV000578970.9), dbSNP rs1057519910, ClinGen allele CA403392731.